The following is an entry in ClinVar:

NM_000360.4(TH):c.1210_1213del (p.Ser404fs)

Gene: TH (tyrosine hydroxylase; minus strand). Cytogenetic location: 11p15.5.
Variant type: Deletion.
Coding change: c.1210_1213del on transcript NM_000360.4 (MANE Select); coding-DNA positions 1210 to 1213, 4 bases deleted (TCTG; older notation c.1210_1213delTCTG).
Protein change: p.Ser404fs; shifts the reading frame from serine 404.
Molecular consequence: frameshift variant.
Genome position (GRCh38, 1-based): chr11:2,165,353-2,165,356, CAGA deleted on the plus strand (TCTG on the coding strand, the reverse complement: TH is on the minus strand); deleting any 4 consecutive bases within chr11:2,165,353-2,165,359 gives the same sequence; the c. name uses the placement nearest the transcript's 3' end. VCF-style (leftmost placement, unchanged base first): chr11-2165352-TCAGA-T. GRCh37 (hg19) VCF-style: chr11-2186582-TCAGA-T.
Other names: c.1303_1306del (NM_199292.2); c.1303_1306del, p.Ser435fs (NM_199292.3); c.1291_1294del, p.Ser431fs (NM_199293.3); short protein forms S431fs, S404fs, S435fs.
Identifiers: ClinVar variation 1425111 (VCV001425111.7), dbSNP rs2133689285, ClinGen allele CA2573146041.

ClinVar aggregate classification (germline): Pathogenic/Likely pathogenic. Review status: criteria provided, multiple submitters, no conflicts (2 of 4 stars). 2 submissions from 2 submitters: Pathogenic (1); Likely pathogenic (1). Last evaluated 2024-10-02.

Conditions:
TH-deficient dopa-responsive dystonia. Also called: Tyrosine Hydroxylase-Deficient Dopa-Responsive Dystonia; Segawa syndrome, autosomal recessive; DYT-TH. Identifiers: Orphanet 101150, MedGen C2673535, MONDO:0011551, OMIM 605407.

Submissions (2):

Natera, Inc.
Classification: Likely pathogenic for Autosomal recessive Segawa syndrome. Last evaluated: 2024-10-02. Review status: criteria provided, single submitter. Criteria: Natera Variant Classification Schema (03/2026). Collection method: clinical testing. Allele origin: germline.
Comment: The c.1303_1306del variant in TH is a frameshift variant predicted to shift the reading frame beginning at codon 435 and leads to a stop codon 53 codons downstream. This variant is expected to result in nonsense mediated decay, truncation, or a dysfunctional protein product. This variant is rare in the general population with a frequency below the threshold expected for the associated phenotype(s). Given the available evidence, this variant is classified as Likely Pathogenic.

Labcorp Genetics (formerly Invitae), Labcorp
Classification: Pathogenic for TH-deficient dopa-responsive dystonia. Last evaluated: 2023-03-29. Review status: criteria provided, single submitter. Criteria: Invitae Variant Classification Sherloc (09022015). Collection method: clinical testing. Allele origin: germline.
Comment: This sequence change creates a premature translational stop signal (p.Ser435Argfs*53) in the TH gene. While this is not anticipated to result in nonsense mediated decay, it is expected to disrupt the last 94 amino acid(s) of the TH protein. For these reasons, this variant has been classified as Pathogenic. This variant disrupts a region of the TH protein in which other variant(s) (p.Asp498Gly) have been determined to be pathogenic (PMID: 11160968, 15505183, 24753243). This suggests that this is a clinically significant region of the protein, and that variants that disrupt it are likely to be disease-causing. ClinVar contains an entry for this variant (Variation ID: 1425111). This variant has not been reported in the literature in individuals affected with TH-related conditions. This variant is not present in population databases (gnomAD no frequency).

Literature cited by the submitters: PubMed 11160968 (cited by Labcorp Genetics (formerly Invitae), Labcorp); PubMed 15505183 (cited by Labcorp Genetics (formerly Invitae), Labcorp); PubMed 24753243 (cited by Labcorp Genetics (formerly Invitae), Labcorp).